The following is an entry in ClinVar:

ClinVar aggregate classification (germline): Pathogenic. Review status: criteria provided, multiple submitters, no conflicts (2 of 4 stars). 2 submissions from 2 submitters: Pathogenic (2). Last evaluated 2025-09-26.

Conditions:
Nephropathic cystinosis (CTNS). Also called: Abderhalden Lignac Kaufmann disease; Abderhalden-Kaufmann-Lignac syndrome; CYSTINOSIN, DEFECT OF; LYSOSOMAL CYSTINE TRANSPORT PROTEIN, DEFECT OF. Identifiers: Orphanet 213, Orphanet 411629, MedGen C2931187, MONDO:0100151, OMIM 219800.
Cystinosis. Also called: Cystine diathesis; Cystine storage disease; Cystinoses. Identifiers: Orphanet 213, MedGen C4316899, MONDO:0016239.

Submissions (2):

3billion
Classification: Pathogenic for Nephropathic cystinosis. Last evaluated: 2025-09-26. Review status: criteria provided, single submitter. Criteria: ACMG Guidelines, 2015. Collection method: clinical testing. Allele origin: germline. Affected: yes.
Comment: The variant is not observed in the gnomAD v4.1.0 dataset. Predicted Consequence/Location: Frameshift: predicted to result in a loss or disruption of normal protein function through nonsense-mediated decay (NMD) or protein truncation. Multiple pathogenic variants are reported downstream of the variant. The variant has been reported to be associated with CTNS-related disorder (PMID: 24464559). Therefore, this variant is classified as Pathogenic according to the recommendation of ACMG/AMP guideline.

Myriad Genetics, Inc.
Classification: Pathogenic for Cystinosis. Last evaluated: 2025-02-07. Review status: criteria provided, single submitter. Criteria: Myriad Autosomal Dominant, Autosomal Recessive and X-Linked Classification Criteria (2023). Collection method: clinical testing. Allele origin: unknown.
Comment: NM_004937.2(CTNS):c.260_261delTT(F87Sfs*37) is expected to be pathogenic in the context of cystinosis. This variant is predicted to lead to an abnormal or absent protein product due to the creation of a premature termination codon in CTNS, a gene where loss-of-function variants are known to be pathogenic. Please note: this variant was assessed in the context of healthy population screening.

Literature cited by the submitters: PubMed 24464559 (cited by 3billion).

NM_004937.3(CTNS):c.260_261del (p.Phe87fs)

Genes: CTNS (cystinosin, lysosomal cystine transporter; plus strand), CTNS-AS1 (CTNS antisense RNA 1; minus strand). Cytogenetic location: 17p13.2.
Variant type: Deletion.
Coding change: c.260_261del on transcript NM_004937.3 (MANE Select); coding-DNA positions 260 to 261, 2 bases deleted (TT; older notation c.260_261delTT).
Protein change: p.Phe87fs; shifts the reading frame from phenylalanine 87.
Molecular consequence: frameshift variant. On other transcripts: 5 prime UTR variant (4).
Genome position (GRCh38, 1-based): chr17:3,655,032-3,655,033, TT deleted; deleting any 2 consecutive bases within chr17:3,655,030-3,655,033 gives the same sequence; the c. name uses the placement nearest the transcript's 3' end. VCF-style (leftmost placement, unchanged base first): chr17-3655029-CTT-C. GRCh37 (hg19) VCF-style: chr17-3558323-CTT-C.
Other names: c.260_261del, p.Phe87fs (NM_001031681.3, NM_001374492.1); c.-182_-181del (NM_001374493.1, NM_001374494.1, NM_001374495.1 and 1 more transcripts); short protein forms F87fs.
Identifiers: ClinVar variation 4854521 (VCV004854521.2).